The following is an entry in ClinVar:

ClinVar aggregate classification (germline): Uncertain significance. Review status: criteria provided, multiple submitters, no conflicts (2 of 4 stars). 2 submissions from 2 submitters: Uncertain significance (2). Last evaluated 2023-08-17.

Conditions:
Inborn genetic diseases. Identifiers: MedGen C0950123, MeSH D030342.

Allele frequency attached by ClinVar (database versions not stated): TOPMed 0.00002; ExAC 0.00003; gnomAD 0.00003; 1000 Genomes Project 0.00020; 1000 Genomes Project 30x 0.00031.
gnomAD v4.1: 68 of 1,612,960 alleles (0.0042%); highest among the groups gnomAD compares: Non-Finnish European, 0.005%; 1 homozygote.

Submissions (2):

Labcorp Genetics (formerly Invitae), Labcorp
Classification: Uncertain significance. Last evaluated: 2023-08-17. Review status: criteria provided, single submitter. Criteria: Invitae Variant Classification Sherloc (09022015). Collection method: clinical testing. Allele origin: germline.
Comment: This variant is present in population databases (rs202145401, gnomAD 0.007%). This sequence change replaces arginine, which is basic and polar, with glutamine, which is neutral and polar, at codon 883 of the AHDC1 protein (p.Arg883Gln). This variant has not been reported in the literature in individuals affected with AHDC1-related conditions. ClinVar contains an entry for this variant (Variation ID: 2408699). An algorithm developed to predict the effect of missense changes on protein structure and function (PolyPhen-2) suggests that this variant is likely to be tolerated. In summary, the available evidence is currently insufficient to determine the role of this variant in disease. Therefore, it has been classified as a Variant of Uncertain Significance.

Ambry Genetics
Classification: Uncertain significance for Inborn genetic diseases. Last evaluated: 2022-04-13. Review status: criteria provided, single submitter. Criteria: Ambry Variant Classification Scheme 2023. Collection method: clinical testing. Allele origin: germline.

NM_001371928.1(AHDC1):c.2648G>A (p.Arg883Gln)

Gene: AHDC1 (AT-hook DNA binding motif containing 1; minus strand). Cytogenetic location: 1p36.11.
Variant type: single nucleotide variant.
Coding change: c.2648G>A on transcript NM_001371928.1 (MANE Select); coding-DNA position 2648, G replaced by A.
Protein change: p.Arg883Gln; replaces arginine 883 with glutamine.
Molecular consequence: missense variant.
Genome position (GRCh38, 1-based): chr1:27,549,468, C>T on the plus strand (G>A on the coding strand, the complement: AHDC1 is on the minus strand). VCF-style: chr1-27549468-C-T. GRCh37 (hg19) VCF-style: chr1-27875979-C-T.
Other names: c.2648G>A (NM_001029882.2); c.2648G>A, p.Arg883Gln (NM_001029882.3); short protein forms R883Q.
Identifiers: ClinVar variation 2408699 (VCV002408699.8), dbSNP rs202145401, ClinGen allele CA715725.